The following is an entry in ClinVar:

ClinVar aggregate classification (germline): Uncertain significance. Review status: criteria provided, multiple submitters, no conflicts (2 of 4 stars). 2 submissions from 2 submitters: Uncertain significance (2). Last evaluated 2025-10-28.

gnomAD v4.1: 4 of 1,614,030 alleles (0.00025%); highest among the groups gnomAD compares: Middle Eastern, 0.016%; no homozygotes.

Submissions (2):

Ambry Genetics
Classification: Uncertain significance. Last evaluated: 2025-10-28. Review status: criteria provided, single submitter. Criteria: Ambry Variant Classification Scheme 2023. Collection method: clinical testing. Allele origin: germline.

Labcorp Genetics (formerly Invitae), Labcorp
Classification: Uncertain significance. Last evaluated: 2024-02-19. Review status: criteria provided, single submitter. Criteria: Invitae Variant Classification Sherloc (09022015). Collection method: clinical testing. Allele origin: germline.
Comment: This sequence change replaces glutamic acid, which is acidic and polar, with lysine, which is basic and polar, at codon 190 of the IL12RB2 protein (p.Glu190Lys). This variant is present in population databases (no rsID available, gnomAD 0.007%). This variant has not been reported in the literature in individuals affected with IL12RB2-related conditions. An algorithm developed to predict the effect of missense changes on protein structure and function (PolyPhen-2) suggests that this variant is likely to be disruptive. In summary, the available evidence is currently insufficient to determine the role of this variant in disease. Therefore, it has been classified as a Variant of Uncertain Significance.

NM_001374259.2(IL12RB2):c.568G>A (p.Glu190Lys)

Gene: IL12RB2 (interleukin 12 receptor subunit beta 2; plus strand). Cytogenetic location: 1p31.3.
Variant type: single nucleotide variant.
Coding change: c.568G>A on transcript NM_001374259.2 (MANE Select); coding-DNA position 568, G replaced by A.
Protein change: p.Glu190Lys; replaces glutamic acid 190 with lysine.
Molecular consequence: missense variant. On other transcripts: non-coding transcript variant (2).
Genome position (GRCh38, 1-based): chr1:67,328,288, G>A. VCF-style: chr1-67328288-G-A. GRCh37 (hg19) VCF-style: chr1-67793971-G-A.
Other names: c.568G>A, p.Glu190Lys (NM_001258214.1, NM_001258215.1, NM_001258216.1 and 2 more transcripts); c.568G>A (NM_001559.2); short protein forms E190K.
Identifiers: ClinVar variation 3698824 (VCV003698824.3).